The following is an entry in ClinVar:

ClinVar aggregate classification (germline): Likely pathogenic (0 of 4 stars; one submission).

Conditions:
X-linked Alport syndrome (ATS1). Also called: NEPHROPATHY AND DEAFNESS, X-LINKED; COL4A5-Related Nephropathy. Identifiers: Orphanet 63, Orphanet 88917, MedGen C4746986, MONDO:0010520, OMIM 301050.

Submission:

HUSP Clinical Genetics Laboratory, Hospital Universitario San Pedro De Logroño (HUSP)
Classification: Likely pathogenic for X-linked Alport syndrome. Last evaluated: 2017-12-26. Review status: no assertion criteria provided. Collection method: clinical testing. Allele origin: germline. Inheritance: X-linked dominant inheritance. Affected: yes. Observed: 1 variant allele, 1 hemizygote.
Comment: The c.671G>T variant, located in coding exon 12 of the COL4A5 gene (NM_000495.5), results from a G to T substitution at nucleotide position 671. The glycine at codon 224 is replaced by valine p.Gly224Val. This alteration has not been reported previously in the literature and it is not detected in general population. The variant is found in a region of the protein where more than 93% of amino acid changes are considered pathological. Therefore, the clinical significance of the c.671G>T variant is likely pathogenic.

NM_033380.3(COL4A5):c.671G>T (p.Gly224Val)

Gene: COL4A5 (collagen type IV alpha 5 chain; plus strand). Cytogenetic location: Xq22.3.
Variant type: single nucleotide variant.
Coding change: c.671G>T on transcript NM_033380.3 (MANE Select); coding-DNA position 671, G replaced by T.
Protein change: p.Gly224Val; replaces glycine 224 with valine.
Molecular consequence: missense variant.
Genome position (GRCh38, 1-based): chrX:108,578,103, G>T. VCF-style: chrX-108578103-G-T. GRCh37 (hg19) VCF-style: chrX-107821333-G-T.
Other names: c.671G>T, p.Gly224Val (NM_000495.5); short protein forms G224V.
Identifiers: ClinVar variation 1048761 (VCV001048761.3), dbSNP rs2147770618, ClinGen allele CA413923698.
Genomic context (GRCh38, chrX:108,578,103, plus strand): 5'-CAGTGAGATTTTTAAATGGAAACTTCTCTCTCCAGGGGAATATGGGCTTAAATTTCCAGG[G>T]ACCCAAAGGTGAAAAAGTGAGTAAAGAAAGAGAGCTGGTTATTCAGCCCTCAGCTTTCTC-3'
Protein context (NP_203699.1, residues 214-234): PKGNMGLNFQ[Gly224Val]PKGEKGEQGL